The following is an entry in ClinVar:

NM_007294.4(BRCA1):c.301+3A>C

Gene: BRCA1 (BRCA1 DNA repair associated; minus strand). Cytogenetic location: 17q21.31.
Variant type: single nucleotide variant.
Coding change: c.301+3A>C on transcript NM_007294.4 (MANE Select); 3 bases into the intron after coding-DNA position 301, A replaced by C.
Molecular consequence: intron variant.
Genome position (GRCh38, 1-based): chr17:43,104,865, T>G on the plus strand (A>C on the coding strand, the complement: BRCA1 is on the minus strand). VCF-style: chr17-43104865-T-G. GRCh37 (hg19) VCF-style: chr17-41256882-T-G.
Other names: c.223+3A>C (NM_001407658.1, NM_001407653.1, NM_001408475.1 and 21 more transcripts); c.91+3A>C (NM_001407958.1, NM_001407955.1, NM_001408493.1 and 58 more transcripts); c.292+12A>C (NM_001407646.1, NM_001408408.1, NM_001407647.1); c.301+3A>C (NM_001408445.1, NM_001407686.1, NM_001408397.1 and 164 more transcripts); c.160+3A>C (NM_001408458.1, NM_001407931.1, NM_001407747.1 and 99 more transcripts); c.-218-10005A>C (NM_001407967.1, NM_001407966.1); c.-81+3A>C (NM_001407959.1, NM_001407962.1, NM_001408512.1 and 4 more transcripts); c.169+3A>C (NM_001408451.1).
Identifiers: ClinVar variation 3725812 (VCV003725812.2).

ClinVar aggregate classification (germline): Likely pathogenic (1 of 4 stars; one submission).

Conditions:
Hereditary breast ovarian cancer syndrome. Also called: Hereditary breast and ovarian cancer syndrome; Hereditary breast and/or ovarian cancer syndrome; Hereditary breast and ovarian cancer; Hereditary breast and ovarian cancer syndrome (HBOC); Breast and ovarian cancer; BRCA1- and BRCA2-Associated Hereditary Breast and Ovarian Cancer. Identifiers: Orphanet 145, MedGen C0677776, MeSH D061325, MONDO:0003582. Disease mechanism: loss of function.

Submission:

Labcorp Genetics (formerly Invitae), Labcorp
Classification: Likely pathogenic for Hereditary breast ovarian cancer syndrome. Last evaluated: 2025-01-23. Review status: criteria provided, single submitter. Criteria: Invitae Variant Classification Sherloc (09022015). Collection method: clinical testing. Allele origin: germline.
Comment: This sequence change falls in intron 5 of the BRCA1 gene. It does not directly change the encoded amino acid sequence of the BRCA1 protein. RNA analysis indicates that this variant induces altered splicing and may result in an absent or altered protein product. This variant is not present in population databases (gnomAD no frequency). This variant has not been reported in the literature in individuals affected with BRCA1-related conditions. Variants that disrupt the consensus splice site are a relatively common cause of aberrant splicing (PMID: 17576681, 9536098). Studies have shown that this variant results in activation of a cryptic splice site, and produces a non-functional protein and/or introduces a premature termination codon (internal data). In summary, the currently available evidence indicates that the variant is pathogenic, but additional data are needed to prove that conclusively. Therefore, this variant has been classified as Likely Pathogenic.

Literature cited by the submitters: PubMed 17576681; PubMed 9536098.